The following is an entry in ClinVar:

ClinVar aggregate classification (germline): Uncertain significance (1 of 4 stars; one submission).

Allele frequency attached by ClinVar (database versions not stated): gnomAD exomes below 0.00001.

Submission:

Mayo Clinic Laboratories, Mayo Clinic
Classification: Uncertain significance. Last evaluated: 2022-11-30. Review status: criteria provided, single submitter. Criteria: ACMG Guidelines, 2015. Collection method: clinical testing. Allele origin: germline. Observed: 1 variant allele.
Comment: BP4, PM2_supporting

NM_139027.6(ADAMTS13):c.860G>A (p.Arg287Gln)

Gene: ADAMTS13 (ADAM metallopeptidase with thrombospondin type 1 motif 13; plus strand). Cytogenetic location: 9q34.2.
Variant type: single nucleotide variant.
Coding change: c.860G>A on transcript NM_139027.6 (MANE Select); coding-DNA position 860, G replaced by A.
Protein change: p.Arg287Gln; replaces arginine 287 with glutamine.
Molecular consequence: missense variant. On other transcripts: intron variant (1).
Genome position (GRCh38, 1-based): chr9:133,429,974, G>A. VCF-style: chr9-133429974-G-A. GRCh37 (hg19) VCF-style: chr9-136295094-G-A.
Other names: p.Arg287Gln; c.860G>A, p.Arg287Gln (NM_139025.5); c.825-58G>A (NM_139026.6); short protein forms R287Q.
Identifiers: ClinVar variation 2683073 (VCV002683073.1), dbSNP rs2491124496, ClinGen allele CA375387475.
Genomic context (GRCh38, chr9:133,429,974, plus strand): 5'-GGGCCTGAGCCGGGCCTTGTCGCAGCGCAGGACGGGCGCGCTGCGTGTGGGACCCGCCGC[G>A]GCCTCAACCCGGGTCCGCGGGGCACCCGCCGGATGCGCAGCCTGGCCTCTACTACAGCGC-3'
Protein context (NP_620596.2, residues 277-297): GRARCVWDPP[Arg287Gln]PQPGSAGHPP